The following is an entry in ClinVar:

NM_182972.3(IRF2BP2):c.6_11dup (p.Ala3_Ala4dup)

Gene: IRF2BP2 (interferon regulatory factor 2 binding protein 2; minus strand). Cytogenetic location: 1q42.3.
Variant type: Duplication.
Coding change: c.6_11dup on transcript NM_182972.3 (MANE Select); coding-DNA positions 6 to 11, 6 bases duplicated (CGCGGC; older notation c.6_11dupCGCGGC).
Protein change: p.Ala3_Ala4dup.
Molecular consequence: inframe insertion, initiator codon variant.
Genome position (GRCh38, 1-based): chr1:234,609,484-234,609,489, GCCGCG duplicated on the plus strand (CGCGGC on the coding strand, the reverse complement: IRF2BP2 is on the minus strand); duplicating any 6 consecutive bases within chr1:234,609,484-234,609,492 gives the same sequence; the c. name uses the placement nearest the transcript's 3' end. VCF-style (leftmost placement, unchanged base first): chr1-234609483-C-CGCCGCG. GRCh37 (hg19) VCF-style: chr1-234745229-C-CGCCGCG.
Other names: c.6_11dup, p.Ala3_Ala4dup (NM_001077397.1); c.11_12insCGCGGC (NM_001077397.1).
Identifiers: ClinVar variation 1521981 (VCV001521981.10), dbSNP rs760367432, ClinGen allele CA1461920.
Genomic context (GRCh38, chr1:234,609,483, plus strand): 5'-CATGCGGGGCAGGTCACACAGGTAGCACGACTGCCGCCGGGACGCGGCCGCCACCGCCAC[C>CGCCGCG]GCCGCGGCCATGTCCGAGGAGCCCGCGACGCCGGAGGAGGAGGCGGAGGAGGAGGAGGGG-3'

ClinVar aggregate classification (germline): Uncertain significance. Review status: criteria provided, multiple submitters, no conflicts (2 of 4 stars). 5 submissions from 5 submitters: Uncertain significance (5). Last evaluated 2026-09-01.

Conditions:
Immunodeficiency, common variable, 14. Identifiers: Orphanet 696904, MedGen C4540380, MONDO:0054691, OMIM 617765.

Submissions (5):

CeGaT Center for Human Genetics Tuebingen
Classification: Uncertain significance. Last evaluated: 2026-09-01. Review status: criteria provided, single submitter. Criteria: CeGaT Center For Human Genetics Tuebingen Variant Classification Criteria Version 2. Collection method: clinical testing. Allele origin: germline. Affected: yes. Observed: 1 variant allele.
Comment: IRF2BP2: PM4

Labcorp Genetics (formerly Invitae), Labcorp
Classification: Uncertain significance. Last evaluated: 2025-05-19. Review status: criteria provided, single submitter. Criteria: Invitae Variant Classification Sherloc (09022015). Collection method: clinical testing. Allele origin: germline.
Comment: This variant, c.6_11dup, results in the insertion of 2 amino acid(s) of the IRF2BP2 protein (p.Ala3_Ala4dup), but otherwise preserves the integrity of the reading frame. This variant is present in population databases (rs760367432, gnomAD 0.006%). This variant has not been reported in the literature in individuals affected with IRF2BP2-related conditions. ClinVar contains an entry for this variant (Variation ID: 1521981). Experimental studies and prediction algorithms are not available or were not evaluated, and the functional significance of this variant is currently unknown. In summary, the available evidence is currently insufficient to determine the role of this variant in disease. Therefore, it has been classified as a Variant of Uncertain Significance.

Blueprint Genetics
Classification: Uncertain significance. Last evaluated: 2024-08-06. Review status: criteria provided, single submitter. Criteria: ACMG Guidelines, 2015. Collection method: clinical testing. Allele origin: germline.

Department of Pathology and Laboratory Medicine, Sinai Health System
Classification: Uncertain significance for immunodeficiency, common variable, 14. Last evaluated: 2019-11-20. Review status: criteria provided, single submitter. Criteria: ACMG Guidelines, 2015. Collection method: research. Allele origin: germline.

Breakthrough Genomics
Classification: Uncertain significance. Review status: criteria provided, single submitter. Criteria: ACMG Guidelines, 2015. Collection method: not provided. Allele origin: germline. Inheritance: Autosomal dominant inheritance. Affected: yes.